The following is an entry in ClinVar:

ClinVar aggregate classification (germline): Uncertain significance (1 of 4 stars; one submission).

Conditions:
Hereditary cancer-predisposing syndrome. Also called: Hereditary Cancer Syndrome; Hereditary neoplastic syndrome; Neoplastic Syndromes, Hereditary; Tumor predisposition. Identifiers: Orphanet 140162, MedGen C0027672, MeSH D009386, MONDO:0015356.

Submission:

Ambry Genetics
Classification: Uncertain significance for Hereditary cancer-predisposing syndrome. Last evaluated: 2021-09-22. Review status: criteria provided, single submitter. Criteria: Ambry Variant Classification Scheme 2023. Collection method: clinical testing. Allele origin: germline.
Comment: The c.1522+3G>A intronic variant results from a G to A substitution 3 nucleotides after coding exon 7 in the RET gene. This nucleotide position is not well conserved in available vertebrate species. In silico splice site analysis predicts that this alteration will not have any significant effect on splicing. Since supporting evidence is limited at this time, the clinical significance of this alteration remains unclear.

NM_020975.6(RET):c.1522+3G>A

Gene: RET (ret proto-oncogene; plus strand). Cytogenetic location: 10q11.21.
Variant type: single nucleotide variant.
Coding change: c.1522+3G>A on transcript NM_020975.6 (MANE Select); 3 bases into the intron after coding-DNA position 1522, G replaced by A.
Molecular consequence: intron variant.
Genome position (GRCh38, 1-based): chr10:43,111,468, G>A. VCF-style: chr10-43111468-G-A. GRCh37 (hg19) VCF-style: chr10-43606916-G-A.
Other names: c.1393+3G>A (NM_001406761.1, NM_001406768.1, NM_001406764.1 and 1 more transcripts); c.997+3G>A (NM_001406774.1); c.497-631G>A (NM_001406786.1, NM_001406783.1); c.1522+3G>A (NM_020630.7, NM_001406743.1, NM_001406744.1 and 4 more transcripts); c.1126+3G>A (NM_001406772.1, NM_001406769.1); c.1084+3G>A (NM_001406773.1, NM_001406771.1); c.626-631G>A (NM_001406782.1, NM_001406780.1, NM_001406779.1 and 3 more transcripts); c.1234+3G>A (NM_001406770.1, NM_001406766.1, NM_001406767.1); and 5 more.
Identifiers: ClinVar variation 1774447 (VCV001774447.2), dbSNP rs2132777947, ClinGen allele CA2580081506.